The following is an entry in ClinVar:

NM_006415.4(SPTLC1):c.1255T>C (p.Cys419Arg)

Gene: SPTLC1 (serine palmitoyltransferase long chain base subunit 1; minus strand). Cytogenetic location: 9q22.31.
Variant type: single nucleotide variant.
Coding change: c.1255T>C on transcript NM_006415.4 (MANE Select); coding-DNA position 1255, T replaced by C.
Protein change: p.Cys419Arg; replaces cysteine 419 with arginine.
Molecular consequence: missense variant.
Genome position (GRCh38, 1-based): chr9:92,034,883, A>G on the plus strand (T>C on the coding strand, the complement: SPTLC1 is on the minus strand). VCF-style: chr9-92034883-A-G. GRCh37 (hg19) VCF-style: chr9-94797165-A-G.
Other names: c.1255T>C, p.Cys419Arg (NM_001281303.2); c.889T>C, p.Cys297Arg (NM_001368272.1); c.790T>C, p.Cys264Arg (NM_001368273.1); short protein forms C297R, C419R, C264R.
Identifiers: ClinVar variation 2730775 (VCV002730775.3), dbSNP rs1045149538, ClinGen allele CA195378485.
Genomic context (GRCh38, chr9:92,034,883, plus strand): 5'-GACACTTCTCTTCTTTCTCCAAGTAGCGCGCCTGAGTTAATGCAATACTTCTGTTCATGC[A>G]CTGTAGGAAGAAAAAGAAGACATCTGCAACCTGGACTTCAGACATGGTGGTAATTAAACT-3'
Protein context (NP_006406.1, residues 409-429): VRLLQEIVDQ[Cys419Arg]MNRSIALTQA

ClinVar aggregate classification (germline): Uncertain significance (1 of 4 stars; one submission).

Conditions:
Hereditary sensory and autonomic neuropathy type 1 (HSAN1). Also called: HSAN 1; HSN Type I; Hereditary Sensory Neuropathy Type I. Identifiers: Orphanet 36386, MedGen C0020071, MONDO:0018213.

Allele frequency attached by ClinVar (database versions not stated): gnomAD exomes below 0.00001.
gnomAD v4.1: 6 of 1,614,054 alleles (0.00037%); highest among the groups gnomAD compares: Non-Finnish European, 0.00051%; no homozygotes.

Submission:

Labcorp Genetics (formerly Invitae), Labcorp
Classification: Uncertain significance for Hereditary sensory and autonomic neuropathy type 1. Last evaluated: 2022-12-16. Review status: criteria provided, single submitter. Criteria: Invitae Variant Classification Sherloc (09022015). Collection method: clinical testing. Allele origin: germline.
Comment: In summary, the available evidence is currently insufficient to determine the role of this variant in disease. Therefore, it has been classified as a Variant of Uncertain Significance. Algorithms developed to predict the effect of missense changes on protein structure and function are either unavailable or do not agree on the potential impact of this missense change (SIFT: "Deleterious"; PolyPhen-2: "Possibly Damaging"; Align-GVGD: "Class C0"). This variant has not been reported in the literature in individuals affected with SPTLC1-related conditions. This variant is present in population databases (no rsID available, gnomAD 0.0009%). This sequence change replaces cysteine, which is neutral and slightly polar, with arginine, which is basic and polar, at codon 419 of the SPTLC1 protein (p.Cys419Arg).